The following is an entry in ClinVar:

NM_005529.7(HSPG2):c.575-634C>T

Gene: HSPG2 (heparan sulfate proteoglycan 2; minus strand). Cytogenetic location: 1p36.12.
Variant type: single nucleotide variant.
Coding change: c.575-634C>T on transcript NM_005529.7 (MANE Select); 634 bases into the intron before coding-DNA position 575, C replaced by T.
Molecular consequence: intron variant.
Genome position (GRCh38, 1-based): chr1:21,888,700, G>A on the plus strand (C>T on the coding strand, the complement: HSPG2 is on the minus strand). VCF-style: chr1-21888700-G-A. GRCh37 (hg19) VCF-style: chr1-22215193-G-A.
Other names: c.575-634C>T (NM_001291860.2).
Identifiers: ClinVar variation 2638465 (VCV002638465.24), dbSNP rs149677207, ClinGen allele CA673792.

ClinVar aggregate classification (germline): Likely benign (1 of 4 stars; one submission).

Allele frequency attached by ClinVar (database versions not stated): 1000 Genomes Project 0.00140; 1000 Genomes Project 30x 0.00141; TOPMed 0.00269; ESP Exome Variant Server 0.00314; ExAC 0.00357; gnomAD exomes 0.00361.
gnomAD v4.1: 4,827 of 1,365,086 alleles (0.35%); highest among the groups gnomAD compares: Non-Finnish European, 0.4%; 14 homozygotes.

Submission:

CeGaT Center for Human Genetics Tuebingen
Classification: Likely benign. Last evaluated: 2026-09-01. Review status: criteria provided, single submitter. Criteria: CeGaT Center For Human Genetics Tuebingen Variant Classification Criteria Version 2. Collection method: clinical testing. Allele origin: germline. Affected: yes. Observed: 9 variant alleles.
Comment: HSPG2: BS2